The following is an entry in ClinVar:

ClinVar aggregate classification (germline): Uncertain significance (1 of 4 stars; one submission).

Submission:

Labcorp Genetics (formerly Invitae), Labcorp
Classification: Uncertain significance. Last evaluated: 2024-02-22. Review status: criteria provided, single submitter. Criteria: Invitae Variant Classification Sherloc (09022015). Collection method: clinical testing. Allele origin: germline.
Comment: This sequence change replaces lysine, which is basic and polar, with arginine, which is basic and polar, at codon 82 of the KCNQ5 protein (p.Lys82Arg). This variant is not present in population databases (gnomAD no frequency). This variant has not been reported in the literature in individuals affected with KCNQ5-related conditions. Advanced modeling of protein sequence and biophysical properties (such as structural, functional, and spatial information, amino acid conservation, physicochemical variation, residue mobility, and thermodynamic stability) performed at Invitae indicates that this missense variant is not expected to disrupt KCNQ5 protein function with a negative predictive value of 95%. In summary, the available evidence is currently insufficient to determine the role of this variant in disease. Therefore, it has been classified as a Variant of Uncertain Significance.

NM_019842.4(KCNQ5):c.245A>G (p.Lys82Arg)

Genes: KCNQ5 (potassium voltage-gated channel subfamily Q member 5; plus strand), KCNQ5-DT (KCNQ5 divergent transcript; minus strand). Cytogenetic location: 6q13.
Variant type: single nucleotide variant.
Coding change: c.245A>G on transcript NM_019842.4 (MANE Select); coding-DNA position 245, A replaced by G.
Protein change: p.Lys82Arg; replaces lysine 82 with arginine.
Molecular consequence: missense variant.
Genome position (GRCh38, 1-based): chr6:72,622,434, A>G. VCF-style: chr6-72622434-A-G. GRCh37 (hg19) VCF-style: chr6-73332162-A-G.
Other names: c.245A>G, p.Lys82Arg (NM_001160132.2, NM_001160134.2, NM_001160133.2 and 1 more transcripts); short protein forms K82R.
Identifiers: ClinVar variation 3635312 (VCV003635312.2).